The following is an entry in ClinVar:

ClinVar aggregate classification (germline): Uncertain significance (1 of 4 stars; one submission).

Submission:

GeneDx
Classification: Uncertain significance. Last evaluated: 2023-12-18. Review status: criteria provided, single submitter. Criteria: GeneDx Variant Classification Process June 2021. Collection method: clinical testing. Allele origin: germline. Affected: yes.
Comment: Not observed at significant frequency in large population cohorts (gnomAD); Missense variants in this gene are a common cause of disease and they are underrepresented in the general population; In silico analysis supports that this missense variant does not alter protein structure/function; Has not been previously published as pathogenic or benign to our knowledge

NM_001101.5(ACTB):c.670G>C (p.Glu224Gln)

Gene: ACTB (actin beta; minus strand). Cytogenetic location: 7p22.1.
Variant type: single nucleotide variant.
Coding change: c.670G>C on transcript NM_001101.5 (MANE Select); coding-DNA position 670, G replaced by C.
Protein change: p.Glu224Gln; replaces glutamic acid 224 with glutamine.
Molecular consequence: missense variant.
Genome position (GRCh38, 1-based): chr7:5,528,413, C>G on the plus strand (G>C on the coding strand, the complement: ACTB is on the minus strand). VCF-style: chr7-5528413-C-G. GRCh37 (hg19) VCF-style: chr7-5568044-C-G.
Other names: short protein forms E224Q.
Identifiers: ClinVar variation 3340361 (VCV003340361.1).
Genomic context (GRCh38, chr7:5,528,413, plus strand): 5'-CAGGCAGCTCGTAGCTCTTCTCCAGGGAGGAGCTGGAAGCAGCCGTGGCCATCTCTTGCT[C>G]GAAGTCCAGGGCGACGTAGCACAGCTTCTCCTTAATGTCACGCACGATTTCCCGCTCGGC-3'
Protein context (NP_001092.1, residues 214-234): EKLCYVALDF[Glu224Gln]QEMATAASSS